The following is an entry in ClinVar:

NM_018287.7(ARHGAP12):c.1770G>A (p.Pro590=)

Gene: ARHGAP12 (Rho GTPase activating protein 12; minus strand). Cytogenetic location: 10p11.22.
Variant type: single nucleotide variant.
Coding change: c.1770G>A on transcript NM_018287.7 (MANE Select); coding-DNA position 1770, G replaced by A.
Protein change: p.Pro590=; no amino-acid change (proline 590 retained).
Molecular consequence: synonymous variant.
Genome position (GRCh38, 1-based): chr10:31,814,323, C>T on the plus strand (G>A on the coding strand, the complement: ARHGAP12 is on the minus strand). VCF-style: chr10-31814323-C-T. GRCh37 (hg19) VCF-style: chr10-32103251-C-T.
Other names: c.1755G>A, p.Pro585= (NM_001270695.1); c.1680G>A, p.Pro560= (NM_001270696.2); c.1629G>A, p.Pro543= (NM_001270697.1); c.1539G>A, p.Pro513= (NM_001270698.2); c.1614G>A, p.Pro538= (NM_001270699.1).
Identifiers: ClinVar variation 4281019 (VCV004281019.7).

ClinVar aggregate classification (germline): Likely benign (1 of 4 stars; one submission).

gnomAD v4.1: 633 of 1,613,988 alleles (0.039%); highest among the groups gnomAD compares: African/African-American, 0.74%; 1 homozygote.

Submission:

CeGaT Center for Human Genetics Tuebingen
Classification: Likely benign. Last evaluated: 2025-09-01. Review status: criteria provided, single submitter. Criteria: CeGaT Center For Human Genetics Tuebingen Variant Classification Criteria Version 2. Collection method: clinical testing. Allele origin: germline. Affected: yes. Observed: 1 variant allele.
Comment: ARHGAP12: BP4, BP7